The following is an entry in ClinVar:

ClinVar aggregate classification (germline): Uncertain significance (1 of 4 stars; one submission).

Conditions:
Familial cancer of breast. Also called: BREAST CANCER, FAMILIAL; Hereditary breast cancer; hereditary breast carcinoma. Identifiers: Orphanet 227535, MedGen C0346153, MONDO:0016419, OMIM 114480. Disease mechanism: loss of function.

Submission:

Labcorp Genetics (formerly Invitae), Labcorp
Classification: Uncertain significance for Familial cancer of breast. Last evaluated: 2021-10-01. Review status: criteria provided, single submitter. Criteria: Invitae Variant Classification Sherloc (09022015). Collection method: clinical testing. Allele origin: germline.
Comment: Algorithms developed to predict the effect of missense changes on protein structure and function are either unavailable or do not agree on the potential impact of this missense change (SIFT: "Tolerated"; PolyPhen-2: "Probably Damaging"; Align-GVGD: "Class C0"). In summary, the available evidence is currently insufficient to determine the role of this variant in disease. Therefore, it has been classified as a Variant of Uncertain Significance. This variant has not been reported in the literature in individuals affected with PALB2-related conditions. This variant is not present in population databases (ExAC no frequency). This sequence change replaces methionine with valine at codon 1007 of the PALB2 protein (p.Met1007Val). The methionine residue is highly conserved and there is a small physicochemical difference between methionine and valine.

NM_024675.4(PALB2):c.3019A>G (p.Met1007Val)

Gene: PALB2 (partner and localizer of BRCA2; minus strand). Cytogenetic location: 16p12.2.
Variant type: single nucleotide variant.
Coding change: c.3019A>G on transcript NM_024675.4 (MANE Select); coding-DNA position 3019, A replaced by G.
Protein change: p.Met1007Val; replaces methionine 1007 with valine.
Molecular consequence: missense variant.
Genome position (GRCh38, 1-based): chr16:23,621,456, T>C on the plus strand (A>G on the coding strand, the complement: PALB2 is on the minus strand). VCF-style: chr16-23621456-T-C. GRCh37 (hg19) VCF-style: chr16-23632777-T-C.
Other names: short protein forms M1007V.
Identifiers: ClinVar variation 1418578 (VCV001418578.7), dbSNP rs2142328121, ClinGen allele CA395143133.